The following is an entry in ClinVar:

ClinVar aggregate classification (germline): Pathogenic/Likely pathogenic. Review status: criteria provided, multiple submitters, no conflicts (2 of 4 stars). 4 submissions from 4 submitters: Pathogenic (2); Likely pathogenic (1). 1 of the submissions does not count toward it. Last evaluated 2025-11-02.

Conditions:
Hereditary cancer-predisposing syndrome. Also called: Neoplastic Syndromes, Hereditary; Hereditary Cancer Syndrome; Tumor predisposition; Hereditary neoplastic syndrome. Identifiers: Orphanet 140162, MedGen C0027672, MeSH D009386, MONDO:0015356.
Ataxia-telangiectasia syndrome (AT). Also called: LOUIS-BAR SYNDROME; Cerebello-oculocutaneous telangiectasia; Immunodeficiency with ataxia telangiectasia; Ataxia-telangiectasia, complementation group D; AT, COMPLEMENTATION GROUP C; Ataxia-telangiectasia, complementation group E. Identifiers: Orphanet 100, MedGen C0004135, MONDO:0008840, OMIM 208900.

Submissions (4):

Labcorp Genetics (formerly Invitae), Labcorp
Classification: Pathogenic for Ataxia-telangiectasia syndrome. Last evaluated: 2025-11-02. Review status: criteria provided, single submitter. Criteria: Invitae Variant Classification Sherloc (09022015). Collection method: clinical testing. Allele origin: germline.
Comment: This sequence change falls in intron 41 of the ATM gene. It does not directly change the encoded amino acid sequence of the ATM protein. RNA analysis indicates that this variant induces altered splicing and may result in an absent or altered protein product. This variant is not present in population databases (gnomAD no frequency). This variant has not been reported in the literature in individuals affected with ATM-related conditions. ClinVar contains an entry for this variant (Variation ID: 453611). Variants that disrupt the consensus splice site are a relatively common cause of aberrant splicing (PMID: 17576681, 9536098). Studies have shown that this variant results in skipping of exon 41, and produces a non-functional protein and/or introduces a premature termination codon (internal data). For these reasons, this variant has been classified as Pathogenic.

Ambry Genetics
Classification: Likely pathogenic for Hereditary cancer-predisposing syndrome. Last evaluated: 2025-07-07. Review status: criteria provided, single submitter. Criteria: Ambry Variant Classification Scheme 2023. Collection method: clinical testing. Allele origin: germline.
Comment: The c.6095+4A>G intronic variant results from an A to G substitution 4 nucleotides after coding exon 40 in the ATM gene. This nucleotide position is well conserved in available vertebrate species. In silico splice site analysis for this alteration is inconclusive. RNA studies have demonstrated that this alteration results in abnormal splicing in the set of samples tested (Ambry internal data). This variant is considered to be rare based on population cohorts in the Genome Aggregation Database (gnomAD). Based on the majority of available evidence to date, this variant is likely to be pathogenic.

Women's Health and Genetics/Laboratory Corporation of America, LabCorp
Classification: Pathogenic for Ataxia-telangiectasia syndrome. Last evaluated: 2024-12-19. Review status: criteria provided, single submitter. Criteria: LabCorp Variant Classification Summary - May 2015. Collection method: clinical testing. Allele origin: germline.
Comment: Variant summary: ATM c.6095+4A>G alters a non-conserved nucleotide located close to a canonical splice site and therefore could affect mRNA splicing, leading to a significantly altered protein sequence. Several computational tools predict a significant impact on normal splicing: One predicts the variant abolishes a 5' splicing donor site. Two predict the variant weakens a 5' donor site. One predicts the variant no significant impact on splicing. Internal RNA splicing evidence shows that this variant affects mRNA splicing causing out of frame skipping of exon 41, expected to result in nonsense mediated decay (Labcorp, formerly Invitae). The variant was absent in 251390 control chromosomes. To our knowledge, no occurrence of c.6095+4A>G in individuals affected with Ataxia-Telangiectasia has been reported. ClinVar contains an entry for this variant (Variation ID: 453611). Based on the evidence outlined above, the variant was classified as pathogenic.

Natera, Inc.
Classification: Uncertain significance for Ataxia-telangiectasia. Last evaluated: 2021-04-11. Review status: no assertion criteria provided. Collection method: clinical testing. Allele origin: germline. Not counted in ClinVar's aggregate classification.

Literature cited by the submitters: PubMed 17576681 (cited by Labcorp Genetics (formerly Invitae), Labcorp); PubMed 9536098 (cited by Labcorp Genetics (formerly Invitae), Labcorp).

NM_000051.4(ATM):c.6095+4A>G

Genes: ATM (ATM serine/threonine kinase; plus strand), C11orf65 (chromosome 11 open reading frame 65; minus strand). Cytogenetic location: 11q22.3.
Variant type: single nucleotide variant.
Coding change: c.6095+4A>G on transcript NM_000051.4 (MANE Select); 4 bases into the intron after coding-DNA position 6095, A replaced by G.
Molecular consequence: intron variant.
Genome position (GRCh38, 1-based): chr11:108,315,915, A>G. VCF-style: chr11-108315915-A-G. GRCh37 (hg19) VCF-style: chr11-108186642-A-G.
Other names: c.6095+4A>G (NM_001351834.2); c.641-6844T>C (NM_001330368.2); c.*39-6844T>C (NM_001351110.2).
Identifiers: ClinVar variation 453611 (VCV000453611.27), dbSNP rs1555113632, ClinGen allele CA658656182.